The following is an entry in ClinVar:

NM_201384.3(PLEC):c.2294A>T (p.Gln765Leu)

Gene: PLEC (plectin; minus strand). Cytogenetic location: 8q24.3.
Variant type: single nucleotide variant.
Coding change: c.2294A>T on transcript NM_201384.3 (MANE Select); coding-DNA position 2294, A replaced by T.
Protein change: p.Gln765Leu; replaces glutamine 765 with leucine.
Molecular consequence: missense variant.
Genome position (GRCh38, 1-based): chr8:143,931,544, T>A on the plus strand (A>T on the coding strand, the complement: PLEC is on the minus strand). VCF-style: chr8-143931544-T-A. GRCh37 (hg19) VCF-style: chr8-145005712-T-A.
Other names: c.2375A>T, p.Gln792Leu (NM_000445.5, NM_001410941.1); c.2252A>T, p.Gln751Leu (NM_201378.4); c.2228A>T, p.Gln743Leu (NM_201379.3); c.2705A>T, p.Gln902Leu (NM_201380.4); c.2198A>T, p.Gln733Leu (NM_201381.3); c.2294A>T, p.Gln765Leu (NM_201382.4); c.2306A>T, p.Gln769Leu (NM_201383.3); c.2375A>T (NM_000445.3); short protein forms Q751L, Q765L, Q769L, Q792L, Q902L, Q733L, Q743L.
Identifiers: ClinVar variation 2945055 (VCV002945055.4), dbSNP rs781903128, ClinGen allele CA4927592.

ClinVar aggregate classification (germline): Uncertain significance. Review status: criteria provided, multiple submitters, no conflicts (2 of 4 stars). 2 submissions from 2 submitters: Uncertain significance (2). Last evaluated 2025-07-13.

Conditions:
Epidermolysis bullosa simplex with nail dystrophy (EBS5D). Identifiers: MedGen C4225309, MONDO:0014661, OMIM 616487.
Epidermolysis bullosa simplex, Ogna type (EBS5A). Also called: Pidermolysis bullosa simplex 5A, Ogna type; EPIDERMOLYSIS BULLOSA SIMPLEX 5A, OGNA TYPE. Identifiers: Orphanet 79401, MedGen C0432317, MONDO:0007555, OMIM 131950.
Autosomal recessive limb-girdle muscular dystrophy type 2Q (LGMDR17). Also called: MUSCULAR DYSTROPHY, LIMB-GIRDLE, AUTOSOMAL RECESSIVE 17. Identifiers: Orphanet 254361, MedGen C3150989, MONDO:0013390, OMIM 613723.
Epidermolysis bullosa simplex 5B, with muscular dystrophy (EBS5B). Also called: EPIDERMOLYSIS BULLOSA SIMPLEX AND LIMB-GIRDLE MUSCULAR DYSTROPHY; Epidermolysis bullosa simplex with muscular dystrophy. Identifiers: Orphanet 257, MedGen C2931072, MONDO:0009181, OMIM 226670.
Epidermolysis bullosa simplex 5C, with pyloric atresia (EBS5C). Also called: PLEC-Related Epidermolysis Bullosa with Pyloric Atresia; Epidermolysis bullosa simplex with pyloric atresia; PLEC1-Related Epidermolysis Bullosa with Pyloric Atresia. Identifiers: Orphanet 158684, MedGen C2677349, MONDO:0012807, OMIM 612138.
Inborn genetic diseases. Identifiers: MedGen C0950123, MeSH D030342.

Allele frequency attached by ClinVar (database versions not stated): gnomAD 0.00001; gnomAD exomes 0.00001; TOPMed 0.00001; ExAC 0.00006.
gnomAD v4.1: 12 of 1,591,244 alleles (0.00075%); highest among the groups gnomAD compares: African/African-American, 0.004%; no homozygotes.

Submissions (2):

Ambry Genetics
Classification: Uncertain significance for Inborn genetic diseases. Last evaluated: 2025-07-13. Review status: criteria provided, single submitter. Criteria: Ambry Variant Classification Scheme 2023. Collection method: clinical testing. Allele origin: germline.

Labcorp Genetics (formerly Invitae), Labcorp
Classification: Uncertain significance for Autosomal recessive limb-girdle muscular dystrophy type 2Q; Epidermolysis bullosa simplex, Ogna type; Epidermolysis bullosa simplex with nail dystrophy; Epidermolysis bullosa simplex 5C, with pyloric atresia; Epidermolysis bullosa simplex 5B, with muscular dystrophy. Last evaluated: 2023-04-27. Review status: criteria provided, single submitter. Criteria: Invitae Variant Classification Sherloc (09022015). Collection method: clinical testing. Allele origin: germline.
Comment: This sequence change replaces glutamine, which is neutral and polar, with leucine, which is neutral and non-polar, at codon 792 of the PLEC protein (p.Gln792Leu). The frequency data for this variant in the population databases is considered unreliable, as metrics indicate poor data quality at this position in the gnomAD database. This variant has not been reported in the literature in individuals affected with PLEC-related conditions. Advanced modeling of protein sequence and biophysical properties (such as structural, functional, and spatial information, amino acid conservation, physicochemical variation, residue mobility, and thermodynamic stability) has been performed at Invitae for this missense variant, however the output from this modeling did not meet the statistical confidence thresholds required to predict the impact of this variant on PLEC protein function. In summary, the available evidence is currently insufficient to determine the role of this variant in disease. Therefore, it has been classified as a Variant of Uncertain Significance.